The following is an entry in ClinVar:

ClinVar aggregate classification (germline): Uncertain significance (1 of 4 stars; one submission).

gnomAD v4.1: 1 of 1,614,196 alleles (0.000062%); highest among the groups gnomAD compares: Non-Finnish European, 0.000085%; no homozygotes.

Submission:

Women's Health and Genetics/Laboratory Corporation of America, LabCorp
Classification: Uncertain significance. Last evaluated: 2024-06-21. Review status: criteria provided, single submitter. Criteria: LabCorp Variant Classification Summary - May 2015. Collection method: clinical testing. Allele origin: germline.
Comment: Variant summary: VWF c.251T>C (p.Leu84Pro) results in a non-conservative amino acid change in the encoded protein sequence. Four of five in-silico tools predict a damaging effect of the variant on protein function. The variant was absent in 251468 control chromosomes. The available data on variant occurrences in the general population are insufficient to allow any conclusion about variant significance. To our knowledge, no occurrence of c.251T>C in individuals affected with Von Willebrand Disease and no experimental evidence demonstrating its impact on protein function have been reported. No submitters have cited clinical-significance assessments for this variant to ClinVar. Based on the evidence outlined above, the variant was classified as uncertain significance.

NM_000552.5(VWF):c.251T>C (p.Leu84Pro)

Gene: VWF (von Willebrand factor; minus strand). Cytogenetic location: 12p13.31.
Variant type: single nucleotide variant.
Coding change: c.251T>C on transcript NM_000552.5 (MANE Select); coding-DNA position 251, T replaced by C.
Protein change: p.Leu84Pro; replaces leucine 84 with proline.
Molecular consequence: missense variant.
Genome position (GRCh38, 1-based): chr12:6,110,938, A>G on the plus strand (T>C on the coding strand, the complement: VWF is on the minus strand). VCF-style: chr12-6110938-A-G. GRCh37 (hg19) VCF-style: chr12-6220104-A-G.
Other names: short protein forms L84P.
Identifiers: ClinVar variation 3339877 (VCV003339877.1).